The following is an entry in ClinVar:

ClinVar aggregate classification (germline): Conflicting classifications of pathogenicity. Review status: criteria provided, conflicting classifications (1 of 4 stars). 4 submissions from 4 submitters: Uncertain significance (3); Likely benign (1). Last evaluated 2026-01-29.

Conditions:
Norman-Roberts syndrome (LIS2). Also called: Lissencephaly 2 (Norman-Roberts type). Identifiers: Orphanet 89844, MedGen C0796089, MONDO:0009760, OMIM 257320.
Familial temporal lobe epilepsy 7. Identifiers: Orphanet 101046, MedGen C4225327, MONDO:0014639, OMIM 616436.

Allele frequency attached by ClinVar (database versions not stated): ExAC 0.00004; TOPMed 0.00004; gnomAD 0.00005 and 0.00006; gnomAD exomes 0.00005 and 0.00006; ESP Exome Variant Server 0.00008.
gnomAD v4.1: 104 of 1,613,694 alleles (0.0064%); highest among the groups gnomAD compares: Admixed American, 0.0083%; no homozygotes.

Submissions (4):

Labcorp Genetics (formerly Invitae), Labcorp
Classification: Uncertain significance for Familial temporal lobe epilepsy 7; Norman-Roberts syndrome. Last evaluated: 2026-01-29. Review status: criteria provided, single submitter. Criteria: Invitae Variant Classification Sherloc (09022015). Collection method: clinical testing. Allele origin: germline.
Comment: This sequence change replaces valine, which is neutral and non-polar, with isoleucine, which is neutral and non-polar, at codon 240 of the RELN protein (p.Val240Ile). This variant is present in population databases (rs375141725, gnomAD 0.008%). This variant has not been reported in the literature in individuals affected with RELN-related conditions. ClinVar contains an entry for this variant (Variation ID: 1042288). Invitae Evidence Modeling of protein sequence and biophysical properties (such as structural, functional, and spatial information, amino acid conservation, physicochemical variation, residue mobility, and thermodynamic stability) indicates that this missense variant is not expected to disrupt RELN protein function with a negative predictive value of 80%. In summary, the available evidence is currently insufficient to determine the role of this variant in disease. Therefore, it has been classified as a Variant of Uncertain Significance.

CeGaT Center for Human Genetics Tuebingen
Classification: Likely benign. Last evaluated: 2024-07-01. Review status: criteria provided, single submitter. Criteria: CeGaT Center For Human Genetics Tuebingen Variant Classification Criteria Version 2. Collection method: clinical testing. Allele origin: germline. Affected: yes. Observed: 1 variant allele.
Comment: RELN: BP4

Blueprint Genetics
Classification: Uncertain significance. Last evaluated: 2023-12-14. Review status: criteria provided, single submitter. Criteria: ACMG Guidelines, 2015. Collection method: clinical testing. Allele origin: germline.

GeneDx
Classification: Uncertain significance. Last evaluated: 2019-01-31. Review status: criteria provided, single submitter. Criteria: GeneDx Variant Classification Process June 2021. Collection method: clinical testing. Allele origin: germline. Affected: yes.
Comment: In silico analysis, which includes protein predictors and evolutionary conservation, supports that this variant does not alter protein structure/function; Has not been previously published as pathogenic or benign to our knowledge

NM_005045.4(RELN):c.718G>A (p.Val240Ile)

Gene: RELN (reelin; minus strand). Cytogenetic location: 7q22.1.
Variant type: single nucleotide variant.
Coding change: c.718G>A on transcript NM_005045.4 (MANE Select); coding-DNA position 718, G replaced by A.
Protein change: p.Val240Ile; replaces valine 240 with isoleucine.
Molecular consequence: missense variant.
Genome position (GRCh38, 1-based): chr7:103,728,146, C>T on the plus strand (G>A on the coding strand, the complement: RELN is on the minus strand). VCF-style: chr7-103728146-C-T. GRCh37 (hg19) VCF-style: chr7-103368593-C-T.
Other names: c.718G>A, p.Val240Ile (NM_173054.3); short protein forms V240I.
Identifiers: ClinVar variation 1042288 (VCV001042288.26), dbSNP rs375141725, ClinGen allele CA4422469.